The following is an entry in ClinVar:

NM_001250.6(CD40):c.*135C>G

Gene: CD40 (CD40 molecule; plus strand). Cytogenetic location: 20q13.12.
Variant type: single nucleotide variant.
Coding change: c.*135C>G on transcript NM_001250.6 (MANE Select); 135 bases downstream of the stop codon, C replaced by G.
Molecular consequence: 3 prime UTR variant. On other transcripts: non-coding transcript variant (2).
Genome position (GRCh38, 1-based): chr20:46,129,175, C>G. VCF-style: chr20-46129175-C-G. GRCh37 (hg19) VCF-style: chr20-44757814-C-G.
Other names: c.*295C>G (NM_001302753.2, NM_001362758.2, NM_152854.4); c.*135C>G (NM_001322421.2, NM_001322422.2).
Identifiers: ClinVar variation 338579 (VCV000338579.7), dbSNP rs11569343, ClinGen allele CA9888700.
Genomic context (GRCh38, chr20:46,129,175, plus strand): 5'-GTGGCGTGAGGGTGAGGGGCTGGCACTGACTGGGCATAGCTCCCCGCTTCTGCCTGCACC[C>G]CTGCAGTTTGAGACAGGAGACCTGGCACTGGATGCAGAAACAGTTCACCTTGAAGAACCT-3'

ClinVar aggregate classification (germline): Benign. Review status: criteria provided, multiple submitters, no conflicts (2 of 4 stars). 3 submissions from 3 submitters: Benign (3). Last evaluated 2021-05-12.

Conditions:
Hyper-IgM syndrome type 3. Also called: Hyper-IgM Immunodeficiency Syndrome, Type 3. Identifiers: Orphanet 101090, MedGen C1720957, MONDO:0011735, OMIM 606843.

Allele frequency attached by ClinVar (database versions not stated): 1000 Genomes Project 30x 0.01593; 1000 Genomes Project 0.01657; TOPMed 0.03123; gnomAD 0.03597 and 0.03655; gnomAD exomes 0.03713; ExAC 0.05640.
gnomAD v4.1: 39,909 of 962,462 alleles (4.1%); highest among the groups gnomAD compares: Non-Finnish European, 5%; 1,040 homozygotes.

Submissions (3):

GeneDx
Classification: Benign. Last evaluated: 2021-05-12. Review status: criteria provided, single submitter. Criteria: GeneDx Variant Classification Process June 2021. Collection method: clinical testing. Allele origin: germline. Affected: yes.

Illumina Laboratory Services, Illumina
Classification: Benign for Hyper-IgM syndrome type 3. Last evaluated: 2018-01-13. Review status: criteria provided, single submitter. Criteria: ICSL Variant Classification Criteria 13 December 2019. Collection method: clinical testing. Allele origin: germline.
Comment: This variant was observed in the ICSL laboratory as part of a predisposition screen in an ostensibly healthy population. It had not been previously curated by ICSL or reported in the Human Gene Mutation Database (HGMD: prior to June 1st, 2018), and was therefore a candidate for classification through an automated scoring system. Utilizing variant allele frequency, disease prevalence and penetrance estimates, and inheritance mode, an automated score was calculated to assess if this variant is too frequent to cause the disease. Based on the score and internal cut-off values, a variant classified as benign is not then subjected to further curation. The score for this variant resulted in a classification of benign for this disease.

Breakthrough Genomics
Classification: Benign. Review status: criteria provided, single submitter. Criteria: ACMG Guidelines, 2015. Collection method: not provided. Allele origin: germline. Inheritance: Autosomal recessive inheritance. Affected: yes.